The following is an entry in ClinVar:

NM_020751.3(COG6):c.1075-1G>C

Gene: COG6 (component of oligomeric golgi complex 6; plus strand). Cytogenetic location: 13q14.11.
Variant type: single nucleotide variant.
Coding change: c.1075-1G>C on transcript NM_020751.3 (MANE Select); the canonical splice acceptor site of the intron before coding-DNA position 1075, G replaced by C.
Molecular consequence: splice acceptor variant.
Genome position (GRCh38, 1-based): chr13:39,694,633, G>C. VCF-style: chr13-39694633-G-C. GRCh37 (hg19) VCF-style: chr13-40268770-G-C.
Other names: c.1075-1G>C (NM_001145079.2).
Identifiers: ClinVar variation 4993257 (VCV004993257.1).
Genomic context (GRCh38, chr13:39,694,633, plus strand): 5'-ATTAATGAAAAAAAGTTATACTTTTAAGAAATGTTTACTTTCCTCTCACATATTTTAATA[G>C]GTTCGAATTGAGCAAGTAATAGTTGCTGAACCTGGGGCAGTTTTATTATATAAAATTTCT-3'

ClinVar aggregate classification (germline): Likely pathogenic (1 of 4 stars; one submission).

Conditions:
COG6-related disorder.

gnomAD v4.1: 1 of 1,565,698 alleles (0.000064%); highest among the groups gnomAD compares: Non-Finnish European, 0.000088%; no homozygotes.

Submission:

PreventionGenetics, part of Exact Sciences
Classification: Likely pathogenic for COG6-related condition. Last evaluated: 2026-03-12. Review status: criteria provided, single submitter. Criteria: ACMG Guidelines, 2015. Collection method: clinical testing. Allele origin: germline.
Comment: The COG6 c.1075-1G>C variant is predicted to disrupt the AG splice acceptor site and interfere with normal splicing. To our knowledge, this variant has not been reported in the literature or in a large population database (gnomAD), indicating this variant is rare. Of note a different nucleotide change at this consensus acceptor site (c.1075-1G>T) was documented in the homozygous state in an individual with a neurodevelopmental disorder (Supplemental Table in Monies et al. 2017. PubMed ID: 28600779). Variants that disrupt the consensus splice acceptor site in COG6 are expected to be pathogenic. Based on this evidence, we classify the c.1075-1G>C variant as likely pathogenic.